The following is an entry in ClinVar:

NM_005660.3(SLC35A2):c.991_993del (p.Val331del)

Gene: SLC35A2 (solute carrier family 35 member A2; minus strand). Cytogenetic location: Xp11.23.
Variant type: Deletion.
Coding change: c.991_993del on transcript NM_005660.3 (MANE Select); coding-DNA positions 991 to 993, 3 bases deleted (GTC; older notation c.991_993delGTC).
Protein change: p.Val331del; deletes valine 331.
Molecular consequence: inframe deletion. On other transcripts: intron variant (3).
Genome position (GRCh38, 1-based): chrX:48,904,916-48,904,918, GAC deleted on the plus strand (GTC on the coding strand, the reverse complement: SLC35A2 is on the minus strand); deleting any 3 consecutive bases within chrX:48,904,916-48,904,920 gives the same sequence; the c. name uses the placement nearest the transcript's 3' end. VCF-style (leftmost placement, unchanged base first): chrX-48904915-TGAC-T. GRCh37 (hg19) VCF-style: chrX-48762192-TGAC-T.
Other names: c.991_993del, p.Val331del (NM_001042498.3); c.808_810del, p.Val270del (NM_001282649.2); c.1030_1032del, p.Val344del (NM_001282650.2); c.1075_1077del, p.Val359del (NM_001282651.2); c.427-26_427-24del (NM_001282647.2, NM_001032289.3); c.355-26_355-24del (NM_001282648.2); short protein forms V359del, V270del, V331del, V344del.
Identifiers: ClinVar variation 1042432 (VCV001042432.10), dbSNP rs2063477224, ClinGen allele CA2428428820.

ClinVar aggregate classification (germline): Pathogenic (1 of 4 stars; one submission).

Conditions:
SLC35A2-congenital disorder of glycosylation. Also called: CDG IIm; CONGENITAL DISORDER OF GLYCOSYLATION, TYPE IIm, SOMATIC MOSAIC; DEVELOPMENTAL AND EPILEPTIC ENCEPHALOPATHY 22; EPILEPTIC ENCEPHALOPATHY, EARLY INFANTILE, 22; CONGENITAL DISORDER OF GLYCOSYLATION, TYPE IIm; SLC35A2-CDG. Identifiers: Orphanet 356961, MedGen C3806688, MONDO:0010478, OMIM 300896.

Submission:

Labcorp Genetics (formerly Invitae), Labcorp
Classification: Pathogenic for SLC35A2-congenital disorder of glycosylation. Last evaluated: 2023-07-17. Review status: criteria provided, single submitter. Criteria: Invitae Variant Classification Sherloc (09022015). Collection method: clinical testing. Allele origin: germline.
Comment: For these reasons, this variant has been classified as Pathogenic. This variant disrupts a region of the SLC35A2 protein in which other variant(s) (p.Val331Ile) have been determined to be pathogenic (PMID: 23561849, 28771251, 29907092, 30746764). This suggests that this is a clinically significant region of the protein, and that variants that disrupt it are likely to be disease-causing. ClinVar contains an entry for this variant (Variation ID: 1042432). This variant has not been reported in the literature in individuals affected with SLC35A2-related conditions. This variant is not present in population databases (gnomAD no frequency). This variant, c.991_993del, results in the deletion of 1 amino acid(s) of the SLC35A2 protein (p.Val331del), but otherwise preserves the integrity of the reading frame.

Literature cited by the submitters: PubMed 23561849; PubMed 28771251; PubMed 29907092; PubMed 30746764.